The following is an entry in ClinVar:

ClinVar aggregate classification (germline): Conflicting classifications of pathogenicity. Review status: criteria provided, conflicting classifications (1 of 4 stars). 5 submissions from 5 submitters: Uncertain significance (3); Likely benign (1). 1 of the submissions does not count toward it. Last evaluated 2026-06-14.

Conditions:
Patterned macular dystrophy 2. Identifiers: Orphanet 99001, MedGen C1837029, MONDO:0012162, OMIM 608970.
CTNNA1-related disorder. Also called: CTNNA1-related condition.
Hereditary cancer-predisposing syndrome. Also called: Neoplastic Syndromes, Hereditary; Tumor predisposition; Hereditary neoplastic syndrome; Hereditary Cancer Syndrome. Identifiers: Orphanet 140162, MedGen C0027672, MeSH D009386, MONDO:0015356.
Polyposis syndrome, hereditary mixed, 1 (HMPS1). Also called: COLORECTAL ADENOMA AND CARCINOMA 1; CHROMOSOME 15q13-q14 DUPLICATION SYNDROME, 40-KB. Identifiers: Orphanet 157794, MedGen C1832587, MONDO:0042486, OMIM 601228.

Allele frequency attached by ClinVar (database versions not stated): gnomAD 0.00001; gnomAD exomes 0.00001; ExAC 0.00002; TOPMed 0.00002.
gnomAD v4.1: 17 of 1,613,770 alleles (0.0011%); highest among the groups gnomAD compares: Middle Eastern, 0.016%; no homozygotes.

Submissions (5):

PreventionGenetics, part of Exact Sciences
Classification: Uncertain significance for CTNNA1-related condition. Last evaluated: 2026-06-14. Review status: criteria provided, single submitter. Criteria: ACMG Guidelines, 2015. Collection method: clinical testing. Allele origin: germline.
Comment: The CTNNA1 c.339T>A variant is predicted to result in the amino acid substitution p.Asp113Glu. This variant was reported in individuals with gastric and/or breast cancer (Clark et al. 2020. PubMed ID: 32051609). This variant is reported in 0.0026% of alleles in individuals of European (Non-Finnish) descent in gnomAD and has conflicting interpretations in ClinVar ranging from likely benign to uncertain (Variation ID: 645011). At this time, the clinical significance of this variant is uncertain due to the absence of conclusive functional and genetic evidence.

Labcorp Genetics (formerly Invitae), Labcorp
Classification: Uncertain significance. Last evaluated: 2025-11-17. Review status: criteria provided, single submitter. Criteria: Invitae Variant Classification Sherloc (09022015). Collection method: clinical testing. Allele origin: germline.
Comment: This sequence change replaces aspartic acid, which is acidic and polar, with glutamic acid, which is acidic and polar, at codon 113 of the CTNNA1 protein (p.Asp113Glu). This variant is present in population databases (rs773771416, gnomAD 0.003%). This variant has not been reported in the literature in individuals affected with CTNNA1-related conditions. ClinVar contains an entry for this variant (Variation ID: 645011). Invitae Evidence Modeling of protein sequence and biophysical properties (such as structural, functional, and spatial information, amino acid conservation, physicochemical variation, residue mobility, and thermodynamic stability) indicates that this missense variant is not expected to disrupt CTNNA1 protein function with a negative predictive value of 80%. In summary, the available evidence is currently insufficient to determine the role of this variant in disease. Therefore, it has been classified as a Variant of Uncertain Significance.

Ambry Genetics
Classification: Likely benign for Hereditary cancer-predisposing syndrome. Last evaluated: 2024-06-04. Review status: criteria provided, single submitter. Criteria: Ambry Variant Classification Scheme 2023. Collection method: clinical testing. Allele origin: germline.

Fulgent Genetics
Classification: Uncertain significance for Patterned macular dystrophy 2. Last evaluated: 2024-04-25. Review status: criteria provided, single submitter. Criteria: ACMG Guidelines, 2015. Collection method: clinical testing. Allele origin: germline.

Genomic Center, National Cancer Institute
Classification: Uncertain significance for Polyposis syndrome, hereditary mixed, 1. Review status: no assertion criteria provided. Collection method: case-control. Allele origin: germline. Affected: yes. Not counted in ClinVar's aggregate classification.

Literature cited by the submitters: PubMed 32051609 (cited by Ambry Genetics).

NM_001903.5(CTNNA1):c.339T>A (p.Asp113Glu)

Gene: CTNNA1 (catenin alpha 1; plus strand). Cytogenetic location: 5q31.2.
Variant type: single nucleotide variant.
Coding change: c.339T>A on transcript NM_001903.5 (MANE Select); coding-DNA position 339, T replaced by A.
Protein change: p.Asp113Glu; replaces aspartic acid 113 with glutamic acid.
Molecular consequence: missense variant. On other transcripts: intron variant (1).
Genome position (GRCh38, 1-based): chr5:138,810,075, T>A. VCF-style: chr5-138810075-T-A. GRCh37 (hg19) VCF-style: chr5-138145764-T-A.
Other names: c.339T>A, p.Asp113Glu (NM_001290307.3, NM_001323982.2, NM_001323983.1 and 3 more transcripts); c.30T>A, p.Asp10Glu (NM_001290309.3); c.-5-26T>A (NM_001290310.3); c.339T>A (NM_001903.4); short protein forms D113E, D10E.
Identifiers: ClinVar variation 645011 (VCV000645011.16), dbSNP rs773771416, ClinGen allele CA3431426.